The following is an entry in ClinVar:

NM_006073.4(TRDN):c.2092A>G (p.Asn698Asp)

Gene: TRDN (triadin; minus strand). Cytogenetic location: 6q22.31.
Variant type: single nucleotide variant.
Coding change: c.2092A>G on transcript NM_006073.4 (MANE Select); coding-DNA position 2092, A replaced by G.
Protein change: p.Asn698Asp; replaces asparagine 698 with aspartic acid.
Molecular consequence: missense variant.
Genome position (GRCh38, 1-based): chr6:123,218,699, T>C on the plus strand (A>G on the coding strand, the complement: TRDN is on the minus strand). VCF-style: chr6-123218699-T-C. GRCh37 (hg19) VCF-style: chr6-123539844-T-C.
Other names: short protein forms N698D.
Identifiers: ClinVar variation 408741 (VCV000408741.8), dbSNP rs777779916, ClinGen allele CA16612100.

ClinVar aggregate classification (germline): Uncertain significance (1 of 4 stars; one submission).

Conditions:
Catecholaminergic polymorphic ventricular tachycardia 1. Also called: VENTRICULAR TACHYCARDIA, CATECHOLAMINERGIC POLYMORPHIC, 1, WITH OR WITHOUT ATRIAL DYSFUNCTION AND/OR DILATED CARDIOMYOPATHY; RYR2-Related Catecholaminergic Polymorphic Ventricular Tachycardia; VENTRICULAR TACHYCARDIA, STRESS-INDUCED POLYMORPHIC 1. Identifiers: Orphanet 3286, MedGen C1631597, MONDO:0011484, OMIM 604772.

gnomAD v4.1: 1 of 1,596,184 alleles (0.000063%); highest among the groups gnomAD compares: Non-Finnish European, 0.000085%; no homozygotes.

Submission:

Labcorp Genetics (formerly Invitae), Labcorp
Classification: Uncertain significance for Catecholaminergic polymorphic ventricular tachycardia 1. Last evaluated: 2016-04-11. Review status: criteria provided, single submitter. Criteria: Invitae Variant Classification Sherloc (09022015). Collection method: clinical testing. Allele origin: germline.
Comment: In summary, this variant is a novel missense change with uncertain impact on protein function. It has been classified as a Variant of Uncertain Significance. Algorithms developed to predict the effect of missense changes on protein structure and function do not agree on the potential impact of this missense change (SIFT: "Deleterious"; PolyPhen-2: "Possibly Damaging"; Align-GVGD: "Class C0"). This variant is not present in population databases (ExAC no frequency) and has not been reported in the literature in individuals with a TRDN-related disease. This sequence change replaces asparagine with aspartic acid at codon 698 of the TRDN protein (p.Asn698Asp). The asparagine residue is moderately conserved and there is a small physicochemical difference between asparagine and aspartic acid.